The following is an entry in ClinVar:

NM_198904.4(GABRG2):c.270G>A (p.Thr90=)

Gene: GABRG2 (gamma-aminobutyric acid type A receptor subunit gamma2; plus strand). Cytogenetic location: 5q34.
Variant type: single nucleotide variant.
Coding change: c.270G>A on transcript NM_198904.4 (MANE Select); coding-DNA position 270, G replaced by A.
Protein change: p.Thr90=; no amino-acid change (threonine 90 retained).
Molecular consequence: synonymous variant. On other transcripts: 5 prime UTR variant (3).
Genome position (GRCh38, 1-based): chr5:162,095,505, G>A. VCF-style: chr5-162095505-G-A. GRCh37 (hg19) VCF-style: chr5-161522511-G-A.
Other names: c.270G>A, p.Thr90= (NM_000816.3, NM_001375340.1, NM_001375341.1 and 4 more transcripts); c.261G>A, p.Thr87= (NM_001375339.1); c.204G>A, p.Thr68= (NM_001375345.1, NM_001375346.1); c.183G>A, p.Thr61= (NM_001375347.1); c.-89G>A (NM_001375348.1, NM_001375350.1); c.-16G>A (NM_001375349.1).
Identifiers: ClinVar variation 1088724 (VCV001088724.14), dbSNP rs758084555, ClinGen allele CA3544708.

ClinVar aggregate classification (germline): Likely benign. Review status: criteria provided, multiple submitters, no conflicts (2 of 4 stars). 2 submissions from 2 submitters: Likely benign (2). Last evaluated 2025-12-01.

Conditions:
EPILEPSY, CHILDHOOD ABSENCE, SUSCEPTIBILITY TO, 2 (ECA2). Identifiers: Orphanet 64280, MedGen C1843244, OMIM 607681.
Febrile seizures, familial, 8 (FEB8). Also called: CONVULSIONS, FAMILIAL FEBRILE, 8. Identifiers: Orphanet 36387, MedGen C1969810, MONDO:0011891, OMIM 607681.

Allele frequency attached by ClinVar (database versions not stated): gnomAD 0.00001; gnomAD exomes 0.00002 and 0.00004; ExAC 0.00004; TOPMed 0.00004.
gnomAD v4.1: 27 of 1,605,482 alleles (0.0017%); highest among the groups gnomAD compares: East Asian, 0.013%; no homozygotes.

Submissions (2):

CeGaT Center for Human Genetics Tuebingen
Classification: Likely benign. Last evaluated: 2025-12-01. Review status: criteria provided, single submitter. Criteria: CeGaT Center For Human Genetics Tuebingen Variant Classification Criteria Version 2. Collection method: clinical testing. Allele origin: germline. Affected: yes. Observed: 1 variant allele.
Comment: GABRG2: BP4, BP7

Labcorp Genetics (formerly Invitae), Labcorp
Classification: Likely benign for Febrile seizures, familial, 8; EPILEPSY, CHILDHOOD ABSENCE, SUSCEPTIBILITY TO, 2. Last evaluated: 2025-10-22. Review status: criteria provided, single submitter. Criteria: Invitae Variant Classification Sherloc (09022015). Collection method: clinical testing. Allele origin: germline.